The following is an entry in ClinVar:

NM_001148.6(ANK2):c.5455G>A (p.Ala1819Thr)

Genes: ANK2 (ankyrin 2; plus strand), LOC126807136 (MED14-independent group 3 enhancer GRCh37_chr4:114274931-114276130; plus strand). Cytogenetic location: 4q26.
Variant type: single nucleotide variant.
Coding change: c.5455G>A on transcript NM_001148.6 (MANE Select); coding-DNA position 5455, G replaced by A.
Protein change: p.Ala1819Thr; replaces alanine 1819 with threonine.
Molecular consequence: missense variant. On other transcripts: intron variant (68).
Genome position (GRCh38, 1-based): chr4:113,354,073, G>A. VCF-style: chr4-113354073-G-A. GRCh37 (hg19) VCF-style: chr4-114275229-G-A.
Other names: c.5221G>A, p.Ala1741Thr (NM_001386142.1); c.1855G>A, p.Ala619Thr (NM_001386166.1); c.5596G>A, p.Ala1866Thr (NM_001386174.1); c.5572G>A, p.Ala1858Thr (NM_001386175.1); c.4411+3824G>A (NM_001386186.2, NM_001386148.2); c.4213+3824G>A (NM_001354269.3); c.4291+3824G>A (NM_001386187.2); c.4252+3824G>A (NM_001386147.1); and 35 more; short protein forms A1819T, A1858T, A1741T, A1866T, A619T.
Identifiers: ClinVar variation 3659667 (VCV003659667.2).

ClinVar aggregate classification (germline): Uncertain significance (1 of 4 stars; one submission).

Conditions:
Long QT syndrome (LQTS). Identifiers: MedGen C0023976, MeSH D008133, MONDO:0002442. Disease mechanism: loss of function. Inheritance: Various modes of inheritance.

Submission:

Labcorp Genetics (formerly Invitae), Labcorp
Classification: Uncertain significance for Long QT syndrome. Last evaluated: 2024-07-16. Review status: criteria provided, single submitter. Criteria: Invitae Variant Classification Sherloc (09022015). Collection method: clinical testing. Allele origin: germline.
Comment: This sequence change replaces alanine, which is neutral and non-polar, with threonine, which is neutral and polar, at codon 1819 of the ANK2 protein (p.Ala1819Thr). This variant is not present in population databases (gnomAD no frequency). This variant has not been reported in the literature in individuals affected with ANK2-related conditions. An algorithm developed to predict the effect of missense changes on protein structure and function outputs the following: PolyPhen-2: "Benign". The threonine amino acid residue is found in multiple mammalian species, which suggests that this missense change does not adversely affect protein function. In summary, the available evidence is currently insufficient to determine the role of this variant in disease. Therefore, it has been classified as a Variant of Uncertain Significance.